The following is an entry in ClinVar:

ClinVar aggregate classification (germline): Uncertain significance (1 of 4 stars; one submission).

Conditions:
Fanconi anemia (FA). Also called: Fanconi's anemia. Identifiers: Orphanet 84, MedGen C0015625, MeSH D005199, MONDO:0019391.

Allele frequency attached by ClinVar (database versions not stated): gnomAD exomes below 0.00001.

Submission:

Labcorp Genetics (formerly Invitae), Labcorp
Classification: Uncertain significance for Fanconi anemia. Last evaluated: 2021-10-24. Review status: criteria provided, single submitter. Criteria: Invitae Variant Classification Sherloc (09022015). Collection method: clinical testing. Allele origin: germline.
Comment: This sequence change replaces proline with serine at codon 65 of the FANCG protein (p.Pro65Ser). The proline residue is moderately conserved and there is a moderate physicochemical difference between proline and serine. This variant is not present in population databases (ExAC no frequency). This variant has not been reported in the literature in individuals with FANCG-related conditions. Algorithms developed to predict the effect of missense changes on protein structure and function output the following: SIFT: "Tolerated"; PolyPhen-2: "Benign"; Align-GVGD: "Class C0". The serine amino acid residue is found in multiple mammalian species, suggesting that this missense change does not adversely affect protein function. These predictions have not been confirmed by published functional studies and their clinical significance is uncertain. In summary, the available evidence is currently insufficient to determine the role of this variant in disease. Therefore, it has been classified as a Variant of Uncertain Significance.

NM_004629.2(FANCG):c.193C>T (p.Pro65Ser)

Gene: FANCG (FA complementation group G; minus strand). Cytogenetic location: 9p13.3.
Variant type: single nucleotide variant.
Coding change: c.193C>T on transcript NM_004629.2 (MANE Select); coding-DNA position 193, C replaced by T.
Protein change: p.Pro65Ser; replaces proline 65 with serine.
Molecular consequence: missense variant.
Genome position (GRCh38, 1-based): chr9:35,078,719, G>A on the plus strand (C>T on the coding strand, the complement: FANCG is on the minus strand). VCF-style: chr9-35078719-G-A. GRCh37 (hg19) VCF-style: chr9-35078716-G-A.
Other names: short protein forms P65S.
Identifiers: ClinVar variation 1415060 (VCV001415060.3), dbSNP rs2131059151, ClinGen allele CA373315460.